The following is an entry in ClinVar:

ClinVar aggregate classification (germline): Conflicting classifications of pathogenicity. Review status: criteria provided, conflicting classifications (1 of 4 stars). 6 submissions from 6 submitters: Uncertain significance (5); Benign (1). Last evaluated 2024-10-30.

Conditions:
Inborn genetic diseases. Identifiers: MedGen C0950123, MeSH D030342.
HELLS-related disorder. Also called: HELLS-related condition.
Immunodeficiency-centromeric instability-facial anomalies syndrome 4 (ICF4). Identifiers: Orphanet 2268, MedGen C4310798, MONDO:0014829, OMIM 616911.

Allele frequency attached by ClinVar (database versions not stated): ExAC 0.00046; gnomAD exomes 0.00056 and 0.00126; ESP Exome Variant Server 0.00069; gnomAD 0.00069 and 0.00070; 1000 Genomes Project 0.00080; TOPMed 0.00088; 1000 Genomes Project 30x 0.00094.

Submissions (6):

Blueprint Genetics
Classification: Uncertain significance. Last evaluated: 2024-10-30. Review status: criteria provided, single submitter. Criteria: ACMG Guidelines, 2015. Collection method: clinical testing. Allele origin: germline.

PreventionGenetics, part of Exact Sciences
Classification: Benign for HELLS-related condition. Last evaluated: 2024-10-07. Review status: criteria provided, single submitter. Criteria: ACMG Guidelines, 2015. Collection method: clinical testing. Allele origin: germline.
Comment: This variant is classified as benign based on ACMG/AMP sequence variant interpretation guidelines (Richards et al. 2015 PMID: 25741868, with internal and published modifications).

Labcorp Genetics (formerly Invitae), Labcorp
Classification: Uncertain significance. Last evaluated: 2024-01-08. Review status: criteria provided, single submitter. Criteria: Invitae Variant Classification Sherloc (09022015). Collection method: clinical testing. Allele origin: germline.
Comment: This sequence change replaces leucine, which is neutral and non-polar, with valine, which is neutral and non-polar, at codon 420 of the HELLS protein (p.Leu420Val). This variant is present in population databases (rs146569050, gnomAD 0.09%), and has an allele count higher than expected for a pathogenic variant. This variant has not been reported in the literature in individuals affected with HELLS-related conditions. ClinVar contains an entry for this variant (Variation ID: 811038). An algorithm developed to predict the effect of missense changes on protein structure and function (PolyPhen-2) suggests that this variant¬†is likely to be tolerated. In summary, the available evidence is currently insufficient to determine the role of this variant in disease. Therefore, it has been classified as a Variant of Uncertain Significance.

GeneDx
Classification: Uncertain significance. Last evaluated: 2022-11-30. Review status: criteria provided, single submitter. Criteria: GeneDx Variant Classification Process June 2021. Collection method: clinical testing. Allele origin: germline. Affected: yes.
Comment: In silico analysis supports that this missense variant does not alter protein structure/function; Has not been previously published as pathogenic or benign to our knowledge

Ambry Genetics
Classification: Uncertain significance for Inborn genetic diseases. Last evaluated: 2021-10-18. Review status: criteria provided, single submitter. Criteria: Ambry Variant Classification Scheme 2023. Collection method: clinical testing. Allele origin: germline.

ARUP Laboratories, Molecular Genetics and Genomics, ARUP Laboratories
Classification: Uncertain significance for Immunodeficiency-centromeric instability-facial anomalies syndrome 4. Last evaluated: 2019-04-05. Review status: criteria provided, single submitter. Criteria: ARUP Molecular Germline Variant Investigation Process. Collection method: clinical testing. Allele origin: germline.
Comment: The p.Leu420Val variant (rs146569050) has not been reported in the medical literature, gene specific variation databases, nor has it been previously identified by our laboratory. This variant is listed in the Genome Aggregation Database (gnomAD) with an overall frequency of 0.09% in the Latino population (identified on 30 out of 33,858 chromosomes). The leucine at position 420 is moderately conserved and computational analyses of the effects of the p.Leu420Val variant on protein structure and function is neutral (SIFT: tolerated, PolyPhen-2: benign). Given the frequency in the population, there is not enough evidence to classify the p.Leu420Val variant with certainty.

NM_018063.5(HELLS):c.1258C>G (p.Leu420Val)

Gene: HELLS (helicase, lymphoid specific; plus strand). Cytogenetic location: 10q23.33.
Variant type: single nucleotide variant.
Coding change: c.1258C>G on transcript NM_018063.5 (MANE Select); coding-DNA position 1258, C replaced by G.
Protein change: p.Leu420Val; replaces leucine 420 with valine.
Molecular consequence: missense variant. On other transcripts: intron variant (2).
Genome position (GRCh38, 1-based): chr10:94,582,991, C>G. VCF-style: chr10-94582991-C-G. GRCh37 (hg19) VCF-style: chr10-96342748-C-G.
Other names: c.1258C>G (NM_018063.4, NM_018063.3); c.1258C>G, p.Leu420Val (NM_001289067.2); c.1210C>G, p.Leu404Val (NM_001289068.2); c.1162C>G, p.Leu388Val (NM_001289069.2); c.886C>G, p.Leu296Val (NM_001289071.2); c.844C>G, p.Leu282Val (NM_001289073.2); c.175C>G, p.Leu59Val (NM_001289074.2); c.40C>G, p.Leu14Val (NM_001289075.2); and 2 more; short protein forms L14V, L282V, L296V, L388V, L404V, L420V, L59V.
Identifiers: ClinVar variation 811038 (VCV000811038.16), dbSNP rs146569050, ClinGen allele CA5615465.
Genomic context (GRCh38, chr10:94,582,991, plus strand): 5'-TGATGGTTAACTTAAACATTTTTCTCTTCCAGCTTTGAGTCTTGGTTTGACATCACTAGT[C>G]TTTCTGAAACTGCTGAAGATATTATTGCTAAAGAAAGAGAACAGAATGTATTGCATATGC-3'
Protein context (NP_060533.2, residues 410-430): SFESWFDITS[Leu420Val]SETAEDIIAK